The following is an entry in ClinVar:

NM_003184.4(TAF2):c.3254T>C (p.Leu1085Ser)

Gene: TAF2 (TATA-box binding protein associated factor 2; minus strand). Cytogenetic location: 8q24.12.
Variant type: single nucleotide variant.
Coding change: c.3254T>C on transcript NM_003184.4 (MANE Select); coding-DNA position 3254, T replaced by C.
Protein change: p.Leu1085Ser; replaces leucine 1085 with serine.
Molecular consequence: missense variant.
Genome position (GRCh38, 1-based): chr8:119,742,617, A>G on the plus strand (T>C on the coding strand, the complement: TAF2 is on the minus strand). VCF-style: chr8-119742617-A-G. GRCh37 (hg19) VCF-style: chr8-120754857-A-G.
Other names: short protein forms L1085S.
Identifiers: ClinVar variation 2082920 (VCV002082920.4), dbSNP rs1307727384, ClinGen allele CA371885065.

ClinVar aggregate classification (germline): Uncertain significance (1 of 4 stars; one submission).

Allele frequency attached by ClinVar (database versions not stated): gnomAD exomes below 0.00001.
gnomAD v4.1: 7 of 1,614,024 alleles (0.00043%); highest among the groups gnomAD compares: Non-Finnish European, 0.00034%; no homozygotes.

Submission:

Labcorp Genetics (formerly Invitae), Labcorp
Classification: Uncertain significance. Last evaluated: 2022-01-19. Review status: criteria provided, single submitter. Criteria: Invitae Variant Classification Sherloc (09022015). Collection method: clinical testing. Allele origin: germline.
Comment: This variant is present in population databases (no rsID available, gnomAD 0.002%). This variant has not been reported in the literature in individuals affected with TAF2-related conditions. Algorithms developed to predict the effect of missense changes on protein structure and function output the following: SIFT: "Tolerated"; PolyPhen-2: "Benign"; Align-GVGD: "Class C0". The serine amino acid residue is found in multiple mammalian species, which suggests that this missense change does not adversely affect protein function. In summary, the available evidence is currently insufficient to determine the role of this variant in disease. Therefore, it has been classified as a Variant of Uncertain Significance. This sequence change replaces leucine, which is neutral and non-polar, with serine, which is neutral and polar, at codon 1085 of the TAF2 protein (p.Leu1085Ser).